The following is an entry in ClinVar:

NM_018051.5(DYNC2I1):c.884G>T (p.Gly295Val)

Gene: DYNC2I1 (dynein 2 intermediate chain 1; plus strand). Cytogenetic location: 7q36.3.
Variant type: single nucleotide variant.
Coding change: c.884G>T on transcript NM_018051.5 (MANE Select); coding-DNA position 884, G replaced by T.
Protein change: p.Gly295Val; replaces glycine 295 with valine.
Molecular consequence: missense variant. On other transcripts: 5 prime UTR variant (3), intron variant (1).
Genome position (GRCh38, 1-based): chr7:158,884,568, G>T. VCF-style: chr7-158884568-G-T. GRCh37 (hg19) VCF-style: chr7-158677259-G-T.
Other names: c.746G>T, p.Gly249Val (NM_001350914.2); c.-475G>T (NM_001350916.2); c.-483G>T (NM_001350917.2); c.-602G>T (NM_001350918.2); c.363-2453G>T (NM_001350915.2); short protein forms G249V, G295V.
Identifiers: ClinVar variation 2187692 (VCV002187692.4), dbSNP rs368651864, ClinGen allele CA370181551.
Genomic context (GRCh38, chr7:158,884,568, plus strand): 5'-TTACTTCATTCCGATATGCTAATAAATGGTTATGGGATTATATTTTTGTTTGATAGAATG[G>T]TGAACACAGAAATCGAGGTGCAAGCTCAAAAAGAGATGGGACCAGCAGCCAGTAAGGATT-3'
Protein context (NP_060521.4, residues 285-305): DEPRKRESQN[Gly295Val]EHRNRGASSK

ClinVar aggregate classification (germline): Uncertain significance (1 of 4 stars; one submission).

Conditions:
Short-rib thoracic dysplasia 8 with or without polydactyly (SRTD8). Also called: SHORT-RIB THORACIC DYSPLASIA 8 WITH POLYDACTYLY. Identifiers: Orphanet 93271, MedGen C3809691, MONDO:0014214, OMIM 615503.

gnomAD v4.1: 1 of 1,611,064 alleles (0.000062%); highest among the groups gnomAD compares: Admixed American, 0.0017%; no homozygotes.

Submission:

Labcorp Genetics (formerly Invitae), Labcorp
Classification: Uncertain significance for Short-rib thoracic dysplasia 8 with or without polydactyly. Last evaluated: 2022-08-12. Review status: criteria provided, single submitter. Criteria: Invitae Variant Classification Sherloc (09022015). Collection method: clinical testing. Allele origin: germline.
Comment: This sequence change replaces glycine, which is neutral and non-polar, with valine, which is neutral and non-polar, at codon 295 of the WDR60 protein (p.Gly295Val). In summary, the available evidence is currently insufficient to determine the role of this variant in disease. Therefore, it has been classified as a Variant of Uncertain Significance. Algorithms developed to predict the effect of missense changes on protein structure and function output the following: SIFT: "Tolerated"; PolyPhen-2: "Benign"; Align-GVGD: "Class C0". The valine amino acid residue is found in multiple mammalian species, which suggests that this missense change does not adversely affect protein function. This variant has not been reported in the literature in individuals affected with WDR60-related conditions. This variant is not present in population databases (gnomAD no frequency).